The following is an entry in ClinVar:

ClinVar aggregate classification (germline): Likely benign. Review status: criteria provided, multiple submitters, no conflicts (2 of 4 stars). 5 submissions from 5 submitters: Likely benign (5). Last evaluated 2026-06-01.

Conditions:
Familial thoracic aortic aneurysm and aortic dissection (TAAD). Also called: Thoracic aortic aneurysms and dissections. Identifiers: Orphanet 91387, MedGen C4707243, MONDO:0019625.
Ehlers-Danlos syndrome, type 4 (EDSVASC). Also called: Ehlers-Danlos syndrome vascular type; Ehlers Danlos syndrome, ecchymotic type; Ehlers Danlos syndrome, arterial type; Ehlers Danlos syndrome, Sack-Barabas type; Ehlers-Danlos Syndrome Type IV. Identifiers: Orphanet 286, MedGen C0268338, MONDO:0017314, OMIM 130050.

Allele frequency attached by ClinVar (database versions not stated): ExAC 0.00002; gnomAD 0.00008 and 0.00009.

Submissions (5):

CeGaT Center for Human Genetics Tuebingen
Classification: Likely benign. Last evaluated: 2026-06-01. Review status: criteria provided, single submitter. Criteria: CeGaT Center For Human Genetics Tuebingen Variant Classification Criteria Version 2. Collection method: clinical testing. Allele origin: germline. Affected: yes. Observed: 1 variant allele.
Comment: COL3A1: BP4, BP7

Labcorp Genetics (formerly Invitae), Labcorp
Classification: Likely benign for Ehlers-Danlos syndrome, type 4. Last evaluated: 2025-08-15. Review status: criteria provided, single submitter. Criteria: Invitae Variant Classification Sherloc (09022015). Collection method: clinical testing. Allele origin: germline.

All of Us Research Program, National Institutes of Health
Classification: Likely benign for Ehlers-Danlos syndrome, type 4. Last evaluated: 2023-12-13. Review status: criteria provided, single submitter. Criteria: ACMG Guidelines, 2015. Collection method: clinical testing. Allele origin: germline. Inheritance: Autosomal dominant inheritance. Observed: 9 variant alleles, 9 heterozygotes.
Comment: This study involves interpretation of variants in research participants for the purpose of population health screening. Participant phenotype was not available at the time of variant classification. Additional details can be found in publication PMID: 35346344, PMCID: PMC8962531

Color Diagnostics, LLC DBA Color Health
Classification: Likely benign for Familial thoracic aortic aneurysm and aortic dissection. Last evaluated: 2022-08-01. Review status: criteria provided, single submitter. Criteria: ACMG Guidelines, 2015. Collection method: clinical testing. Allele origin: germline.

GeneDx
Classification: Likely benign. Last evaluated: 2017-03-22. Review status: criteria provided, single submitter. Criteria: GeneDx Variant Classification (06012015). Collection method: clinical testing. Allele origin: germline. Affected: yes.
Comment: This variant is considered likely benign or benign based on one or more of the following criteria: it is a conservative change, it occurs at a poorly conserved position in the protein, it is predicted to be benign by multiple in silico algorithms, and/or has population frequency not consistent with disease.

NM_000090.4(COL3A1):c.1701G>A (p.Gly567=)

Gene: COL3A1 (collagen type III alpha 1 chain; plus strand). Cytogenetic location: 2q32.2.
Variant type: single nucleotide variant.
Coding change: c.1701G>A on transcript NM_000090.4 (MANE Select); coding-DNA position 1701, G replaced by A.
Protein change: p.Gly567=; no amino-acid change (glycine 567 retained).
Molecular consequence: synonymous variant.
Genome position (GRCh38, 1-based): chr2:188,996,436, G>A. VCF-style: chr2-188996436-G-A. GRCh37 (hg19) VCF-style: chr2-189861162-G-A.
Identifiers: ClinVar variation 459768 (VCV000459768.17), dbSNP rs765802289, ClinGen allele CA074578.